The following is an entry in ClinVar:

ClinVar aggregate classification (germline): Pathogenic (1 of 4 stars; one submission).

Submission:

ISCA site 15
Classification: Pathogenic. Last evaluated: 2011-08-12. Review status: criteria provided, single submitter. Criteria: Kaminsky et al. (Genet Med. 2011). Collection method: clinical testing. Allele origin: maternal, unknown, paternal. Affected: yes. Observed: 5 variant alleles. Clinical features observed: Developmental delay AND/OR other significant developmental or morphological phenotypes.
Comment: Copy number variation identified through the course of routine clinical cytogenomic testing in postnatal populations. Clinical assertions have been curated as described in Kaminsky et al. 2011.

GRCh38/hg38 1q21.1-21.2(chr1:147093177-148262736)x1

Genes: ACP6 (acid phosphatase 6, lysophosphatidic; minus strand), BCL9 (BCL9 transcription coactivator; plus strand), CHD1L (chromodomain helicase DNA binding protein 1 like; plus strand), FMO5 (flavin containing dimethylaniline monoxygenase 5; minus strand), GJA5 (gap junction protein alpha 5; minus strand) and 30 more. Cytogenetic location: 1q21.1-21.2.
Variant type: copy number loss.
Change: copy number 1 (one copy instead of two) of chr1:147,093,177-148,262,736 (1.17 Mb, GRCh38 coordinates, 1-based), cytogenetic band 1q21.1-21.2.
Identifiers: ClinVar variation 160913 (VCV000160913.1).